The following is an entry in ClinVar:

NM_181523.3(PIK3R1):c.98A>G (p.Asn33Ser)

Gene: PIK3R1 (phosphoinositide-3-kinase regulatory subunit 1; plus strand). Cytogenetic location: 5q13.1.
Variant type: single nucleotide variant.
Coding change: c.98A>G on transcript NM_181523.3 (MANE Select); coding-DNA position 98, A replaced by G.
Protein change: p.Asn33Ser; replaces asparagine 33 with serine.
Molecular consequence: missense variant.
Genome position (GRCh38, 1-based): chr5:68,226,773, A>G. VCF-style: chr5-68226773-A-G. GRCh37 (hg19) VCF-style: chr5-67522601-A-G.
Other names: short protein forms N33S.
Identifiers: ClinVar variation 3755187 (VCV003755187.2).

ClinVar aggregate classification (germline): Uncertain significance (1 of 4 stars; one submission).

Conditions:
Agammaglobulinemia 7, autosomal recessive (AGM7). Also called: AGAMMAGLOBULINEMIA, AUTOSOMAL RECESSIVE, DUE TO PIK3R1 DEFECT. Identifiers: MedGen C3554689, MONDO:0014083, OMIM 615214.
Immunodeficiency 36 with lymphoproliferation. Also called: Immunodeficiency 36; ACTIVATED PI3K-DELTA SYNDROME 2; Activated PI3K Delta Syndrome Type 2 (APDS2). Identifiers: Orphanet 397596, Orphanet 693681, MedGen C4014934, MONDO:0014453, OMIM 616005.
SHORT syndrome. Also called: SHORT STATURE, HYPEREXTENSIBILITY, HERNIA, OCULAR DEPRESSION, RIEGER ANOMALY, AND TEETHING DELAY; LIPODYSTROPHY, PARTIAL, WITH RIEGER ANOMALY AND SHORT STATURE; PIK3R1-Related SHORT Syndrome. Identifiers: Orphanet 3163, MedGen C0878684, MONDO:0010026, OMIM 269880.

gnomAD v4.1: 1 of 1,614,192 alleles (0.000062%); highest among the groups gnomAD compares: Non-Finnish European, 0.000085%; no homozygotes.

Submission:

Labcorp Genetics (formerly Invitae), Labcorp
Classification: Uncertain significance for SHORT syndrome; Immunodeficiency 36 with lymphoproliferation; Agammaglobulinemia 7, autosomal recessive. Last evaluated: 2024-03-08. Review status: criteria provided, single submitter. Criteria: Invitae Variant Classification Sherloc (09022015). Collection method: clinical testing. Allele origin: germline.
Comment: This sequence change replaces asparagine, which is neutral and polar, with serine, which is neutral and polar, at codon 33 of the PIK3R1 protein (p.Asn33Ser). This variant is not present in population databases (gnomAD no frequency). This variant has not been reported in the literature in individuals affected with PIK3R1-related conditions. An algorithm developed to predict the effect of missense changes on protein structure and function (PolyPhen-2) suggests that this variant is likely to be tolerated. In summary, the available evidence is currently insufficient to determine the role of this variant in disease. Therefore, it has been classified as a Variant of Uncertain Significance.